The following is an entry in ClinVar:

ClinVar aggregate classification (germline): Uncertain significance (1 of 4 stars; one submission).

Submission:

Ambry Genetics
Classification: Uncertain significance. Last evaluated: 2025-02-08. Review status: criteria provided, single submitter. Criteria: Ambry Variant Classification Scheme 2023. Collection method: clinical testing. Allele origin: germline.
Comment: The p.S722L variant (also known as c.2165C>T), located in coding exon 8 of the RNF43 gene, results from a C to T substitution at nucleotide position 2165. The serine at codon 722 is replaced by leucine, an amino acid with dissimilar properties. This amino acid position is conserved. In addition, this alteration is predicted to be tolerated by in silico analysis. Based on the available evidence, the clinical significance of this variant remains unclear.

NM_017763.6(RNF43):c.2165C>T (p.Ser722Leu)

Gene: RNF43 (ring finger protein 43; minus strand). Cytogenetic location: 17q22.
Variant type: single nucleotide variant.
Coding change: c.2165C>T on transcript NM_017763.6 (MANE Select); coding-DNA position 2165, C replaced by T.
Protein change: p.Ser722Leu; replaces serine 722 with leucine.
Molecular consequence: missense variant.
Genome position (GRCh38, 1-based): chr17:58,357,611, G>A on the plus strand (C>T on the coding strand, the complement: RNF43 is on the minus strand). VCF-style: chr17-58357611-G-A. GRCh37 (hg19) VCF-style: chr17-56434972-G-A.
Other names: c.2165C>T, p.Ser722Leu (NM_001305544.3); c.1784C>T, p.Ser595Leu (NM_001305545.2); short protein forms S595L, S722L.
Identifiers: ClinVar variation 3789931 (VCV003789931.1).